The following is an entry in ClinVar:

NM_005033.3(EXOSC9):c.97A>G (p.Arg33Gly)

Gene: EXOSC9 (exosome component 9; plus strand). Cytogenetic location: 4q27.
Variant type: single nucleotide variant.
Coding change: c.97A>G on transcript NM_005033.3 (MANE Select); coding-DNA position 97, A replaced by G.
Protein change: p.Arg33Gly; replaces arginine 33 with glycine.
Molecular consequence: missense variant.
Genome position (GRCh38, 1-based): chr4:121,801,857, A>G. VCF-style: chr4-121801857-A-G. GRCh37 (hg19) VCF-style: chr4-122723012-A-G.
Other names: c.97A>G, p.Arg33Gly (NM_001034194.2); short protein forms R33G.
Identifiers: ClinVar variation 3902001 (VCV003902001.1).

ClinVar aggregate classification (germline): Uncertain significance (1 of 4 stars; one submission).

Conditions:
Pontocerebellar hypoplasia, type 1D. Identifiers: MedGen C4748058, MONDO:0054844, OMIM 618065.

gnomAD v4.1: 3 of 1,613,854 alleles (0.00019%); highest among the groups gnomAD compares: Non-Finnish European, 0.000085%; no homozygotes.

Submission:

Laboratorio de Genetica e Diagnostico Molecular, Hospital Israelita Albert Einstein
Classification: Uncertain significance for Pontocerebellar hypoplasia, type 1D. Last evaluated: 2023-08-31. Review status: criteria provided, single submitter. Criteria: ACMG Guidelines, 2015. Collection method: clinical testing. Allele origin: germline. Affected: yes.
Comment: ACMG classification criteria: PM2 moderate, PP3 supporting